The following is an entry in ClinVar:

ClinVar aggregate classification (germline): Likely pathogenic (1 of 4 stars; one submission).

Conditions:
Hereditary nonpolyposis colon cancer (HNPCC). Also called: Hereditary nonpolyposis colorectal cancer; Familial nonpolyposis colon cancer; Hereditary Nonpolyposis Colorectal Cancer Syndrome. Identifiers: Orphanet 443909, MedGen C1333990, MONDO:0018630. Disease mechanism: loss of function.

Submission:

Women's Health and Genetics/Laboratory Corporation of America, LabCorp
Classification: Likely pathogenic for Hereditary nonpolyposis colon cancer. Last evaluated: 2023-02-14. Review status: criteria provided, single submitter. Criteria: LabCorp Variant Classification Summary - May 2015. Collection method: clinical testing. Allele origin: germline.
Comment: Variant summary: The variant identified by MLPA or other technology involves the duplication of exons 11-12 in the PMS2 gene. A presumed nomenclature of c.(1144+1_1145-1)_(2174+1_2175-1)dup has been designated for the purposes of this classification. It has been assumed that this is a tandem duplication in direct orientation (Richardson_GIM_2018, Newman_AJHG_2015). Although exact breakpoints of this duplication are not known, it is expected to result in a frameshift in the PMS2 gene. The variant was absent in 21694 control chromosomes in gnomAD, structural variants dataset. Exons 11-12 duplication has been reported in the literature in individuals that had multi gene panel testing done for cancer, affected with colon cancer, and suspected with Lynch Syndrome (examples: LaDuca_2014, Li_2015, Broeke_2015, Schwartz_2021). These data indicate that the variant is likely to be associated with disease. One clinical diagnostic laboratory has submitted clinical-significance assessments for this variant to ClinVar after 2014 and classified the variant as likely pathogenic. Based on the evidence outlined above, the variant was classified as likely pathogenic.

Literature cited by the submitters: PubMed 24763289; PubMed 26320870; PubMed 25512458; PubMed 34667028; PubMed 34465341.

NC_000007.13:g.(6018328_6022454)_(6027252_6029430)dup

Gene: PMS2 (PMS1 homolog 2, mismatch repair system component; minus strand). Cytogenetic location: 7p22.1.
Variant type: Duplication.
Identifiers: ClinVar variation 2445835 (VCV002445835.1).